The following is an entry in ClinVar:

ClinVar aggregate classification (germline): Uncertain significance (1 of 4 stars; one submission).

Submission:

Labcorp Genetics (formerly Invitae), Labcorp
Classification: Uncertain significance. Last evaluated: 2021-09-19. Review status: criteria provided, single submitter. Criteria: Invitae Variant Classification Sherloc (09022015). Collection method: clinical testing. Allele origin: germline.
Comment: This sequence change replaces threonine with isoleucine at codon 182 of the HPS4 protein (p.Thr182Ile). The threonine residue is moderately conserved and there is a moderate physicochemical difference between threonine and isoleucine. This variant is not present in population databases (ExAC no frequency). This variant has not been reported in the literature in individuals affected with HPS4-related conditions. Algorithms developed to predict the effect of missense changes on protein structure and function are either unavailable or do not agree on the potential impact of this missense change (SIFT: "Deleterious"; PolyPhen-2: "Probably Damaging"; Align-GVGD: "Class C0"). In summary, the available evidence is currently insufficient to determine the role of this variant in disease. Therefore, it has been classified as a Variant of Uncertain Significance.

NM_022081.6(HPS4):c.545C>T (p.Thr182Ile)

Gene: HPS4 (HPS4 biogenesis of lysosomal organelles complex 3 subunit 2; minus strand). Cytogenetic location: 22q12.1.
Variant type: single nucleotide variant.
Coding change: c.545C>T on transcript NM_022081.6 (MANE Select); coding-DNA position 545, C replaced by T.
Protein change: p.Thr182Ile; replaces threonine 182 with isoleucine.
Molecular consequence: missense variant. On other transcripts: non-coding transcript variant (8).
Genome position (GRCh38, 1-based): chr22:26,470,770, G>A on the plus strand (C>T on the coding strand, the complement: HPS4 is on the minus strand). VCF-style: chr22-26470770-G-A. GRCh37 (hg19) VCF-style: chr22-26866736-G-A.
Other names: c.545C>T, p.Thr182Ile (NM_001349896.1, NM_001349898.2, NM_001349899.2 and 6 more transcripts); c.530C>T, p.Thr177Ile (NM_152841.2); short protein forms T177I, T182I.
Identifiers: ClinVar variation 1354360 (VCV001354360.6), dbSNP rs2089666338, ClinGen allele CA411030489.